The following is an entry in ClinVar:

ClinVar aggregate classification (germline): Conflicting classifications of pathogenicity. Review status: criteria provided, conflicting classifications (1 of 4 stars). 6 submissions from 6 submitters: Uncertain significance (5); Likely benign (1). Last evaluated 2026-01-07.

Conditions:
Cardiovascular phenotype. Identifiers: MedGen CN230736.
Dilated cardiomyopathy 1JJ (CMD1JJ). Identifiers: Orphanet 154, MedGen C3808935, MONDO:0014095, OMIM 615235.
Cardiomyopathy (CMYO). Also called: Cardiomyopathies. Identifiers: Orphanet 167848, MedGen C0878544, MONDO:0004994, HP:0001638. Inheritance: Various modes of inheritance.

Allele frequency attached by ClinVar (database versions not stated): gnomAD exomes 0.00004; gnomAD 0.00005 and 0.00006; TOPMed 0.00005; ExAC 0.00006; ESP Exome Variant Server 0.00008.
gnomAD v4.1: 168 of 1,613,972 alleles (0.01%); highest among the groups gnomAD compares: Non-Finnish European, 0.014%; no homozygotes.

Submissions (6):

Labcorp Genetics (formerly Invitae), Labcorp
Classification: Uncertain significance for Dilated cardiomyopathy 1JJ. Last evaluated: 2026-01-07. Review status: criteria provided, single submitter. Criteria: Invitae Variant Classification Sherloc (09022015). Collection method: clinical testing. Allele origin: germline.
Comment: This sequence change replaces histidine, which is basic and polar, with aspartic acid, which is acidic and polar, at codon 303 of the LAMA4 protein (p.His303Asp). This variant is present in population databases (rs374968791, gnomAD 0.009%). This missense change has been observed in individual(s) with dilated cardiomyopathy (PMID: 31983221). ClinVar contains an entry for this variant (Variation ID: 213600). Invitae Evidence Modeling of protein sequence and biophysical properties (such as structural, functional, and spatial information, amino acid conservation, physicochemical variation, residue mobility, and thermodynamic stability) indicates that this missense variant is not expected to disrupt LAMA4 protein function with a negative predictive value of 80%. In summary, the available evidence is currently insufficient to determine the role of this variant in disease. Therefore, it has been classified as a Variant of Uncertain Significance.

Ambry Genetics
Classification: Uncertain significance for Cardiovascular phenotype. Last evaluated: 2024-04-08. Review status: criteria provided, single submitter. Criteria: Ambry Variant Classification Scheme 2023. Collection method: clinical testing. Allele origin: germline.
Comment: The p.H303D variant (also known as c.907C>G), located in coding exon 7 of the LAMA4 gene, results from a C to G substitution at nucleotide position 907. The histidine at codon 303 is replaced by aspartic acid, an amino acid with similar properties. This amino acid position is well conserved in available vertebrate species. In addition, this alteration is predicted to be tolerated by in silico analysis. The evidence for this gene-disease relationship is limited; therefore, the clinical significance of this alteration is unclear.

GeneDx
Classification: Uncertain significance. Last evaluated: 2022-09-13. Review status: criteria provided, single submitter. Criteria: GeneDx Variant Classification Process June 2021. Collection method: clinical testing. Allele origin: germline. Affected: yes.
Comment: Reported in association with DCM; however, specific clinical information was not provided (Mazzarotto et al., 2020); In silico analysis supports that this missense variant has a deleterious effect on protein structure/function; This variant is associated with the following publications: (PMID: 31983221)

Blueprint Genetics
Classification: Likely benign. Last evaluated: 2022-04-20. Review status: criteria provided, single submitter. Criteria: ACMG Guidelines, 2015. Collection method: clinical testing. Allele origin: germline.

Fulgent Genetics
Classification: Uncertain significance for Dilated cardiomyopathy 1JJ. Last evaluated: 2021-08-25. Review status: criteria provided, single submitter. Criteria: ACMG Guidelines, 2015. Collection method: clinical testing. Allele origin: unknown.

CHEO Genetics Diagnostic Laboratory, Children's Hospital of Eastern Ontario
Classification: Uncertain significance for Cardiomyopathy. Last evaluated: 2017-04-28. Review status: criteria provided, single submitter. Criteria: ACMG Guidelines, 2015. Collection method: clinical testing. Allele origin: germline. Study: Canadian Open Genetics Repository.

Literature cited by the submitters: PubMed 31983221 (cited by Labcorp Genetics (formerly Invitae), Labcorp).

NM_001105206.3(LAMA4):c.928C>G (p.His310Asp)

Gene: LAMA4 (laminin subunit alpha 4; minus strand). Cytogenetic location: 6q21.
Variant type: single nucleotide variant.
Coding change: c.928C>G on transcript NM_001105206.3 (MANE Select); coding-DNA position 928, C replaced by G.
Protein change: p.His310Asp; replaces histidine 310 with aspartic acid.
Molecular consequence: missense variant.
Genome position (GRCh38, 1-based): chr6:112,187,488, G>C on the plus strand (C>G on the coding strand, the complement: LAMA4 is on the minus strand). VCF-style: chr6-112187488-G-C. GRCh37 (hg19) VCF-style: chr6-112508690-G-C.
Other names: p.H303D:CAC>GAC; c.907C>G (LRG_433t2); c.907C>G, p.His303Asp (NM_001105207.3, NM_002290.5); short protein forms H303D, H310D.
Identifiers: ClinVar variation 213600 (VCV000213600.18), dbSNP rs374968791, ClinGen allele CA320423.